The following is an entry in ClinVar:

ClinVar aggregate classification (germline): Uncertain significance. Review status: criteria provided, multiple submitters, no conflicts (2 of 4 stars). 2 submissions from 2 submitters: Uncertain significance (2). Last evaluated 2024-10-04.

Conditions:
Cardiovascular phenotype. Identifiers: MedGen CN230736.

Allele frequency attached by ClinVar (database versions not stated): gnomAD 0.00002; TOPMed 0.00002.
gnomAD v4.1: 22 of 1,613,944 alleles (0.0014%); highest among the groups gnomAD compares: East Asian, 0.0022%; no homozygotes.

Submissions (2):

Labcorp Genetics (formerly Invitae), Labcorp
Classification: Uncertain significance. Last evaluated: 2024-10-04. Review status: criteria provided, single submitter. Criteria: Invitae Variant Classification Sherloc (09022015). Collection method: clinical testing. Allele origin: germline.
Comment: This sequence change replaces serine, which is neutral and polar, with leucine, which is neutral and non-polar, at codon 954 of the ABCA1 protein (p.Ser954Leu). This variant is present in population databases (no rsID available, gnomAD 0.002%). This variant has not been reported in the literature in individuals affected with ABCA1-related conditions. ClinVar contains an entry for this variant (Variation ID: 1796965). Invitae Evidence Modeling of protein sequence and biophysical properties (such as structural, functional, and spatial information, amino acid conservation, physicochemical variation, residue mobility, and thermodynamic stability) indicates that this missense variant is not expected to disrupt ABCA1 protein function with a negative predictive value of 95%. In summary, the available evidence is currently insufficient to determine the role of this variant in disease. Therefore, it has been classified as a Variant of Uncertain Significance.

Ambry Genetics
Classification: Uncertain significance for Cardiovascular phenotype. Last evaluated: 2021-07-08. Review status: criteria provided, single submitter. Criteria: Ambry Variant Classification Scheme 2023. Collection method: clinical testing. Allele origin: germline.
Comment: The p.S954L variant (also known as c.2861C>T), located in coding exon 19 of the ABCA1 gene, results from a C to T substitution at nucleotide position 2861. The serine at codon 954 is replaced by leucine, an amino acid with dissimilar properties. This amino acid position is conserved. In addition, this alteration is predicted to be deleterious by in silico analysis. Since supporting evidence is limited at this time, the clinical significance of this alteration remains unclear.

NM_005502.4(ABCA1):c.2861C>T (p.Ser954Leu)

Gene: ABCA1 (ATP binding cassette subfamily A member 1; minus strand). Cytogenetic location: 9q31.1.
Variant type: single nucleotide variant.
Coding change: c.2861C>T on transcript NM_005502.4 (MANE Select); coding-DNA position 2861, C replaced by T.
Protein change: p.Ser954Leu; replaces serine 954 with leucine.
Molecular consequence: missense variant.
Genome position (GRCh38, 1-based): chr9:104,821,474, G>A on the plus strand (C>T on the coding strand, the complement: ABCA1 is on the minus strand). VCF-style: chr9-104821474-G-A. GRCh37 (hg19) VCF-style: chr9-107583755-G-A.
Other names: short protein forms S954L.
Identifiers: ClinVar variation 1796965 (VCV001796965.7), dbSNP rs1005990127, ClinGen allele CA197389059.